The following is an entry in ClinVar:

NM_000996.4(RPL35A):c.141C>G (p.Cys47Trp)

Genes: DRC9 (dynein regulatory complex subunit 9; minus strand), RPL35A (ribosomal protein L35a; plus strand). Cytogenetic location: 3q29.
Variant type: single nucleotide variant.
Coding change: c.141C>G on transcript NM_000996.4 (MANE Select); coding-DNA position 141, C replaced by G.
Protein change: p.Cys47Trp; replaces cysteine 47 with tryptophan.
Molecular consequence: missense variant. On other transcripts: intron variant (3).
Genome position (GRCh38, 1-based): chr3:197,951,288, C>G. VCF-style: chr3-197951288-C-G. GRCh37 (hg19) VCF-style: chr3-197678159-C-G.
Other names: c.141C>G, p.Cys47Trp (NM_001316311.2); c.-49-7237G>C (NM_001323028.2); c.-59-5602G>C (NM_032263.5); c.-374-5602G>C (NM_001323029.2); short protein forms C47W.
Identifiers: ClinVar variation 1772215 (VCV001772215.2), dbSNP rs1440792535, ClinGen allele CA355902791.

ClinVar aggregate classification (germline): Uncertain significance (1 of 4 stars; one submission).

Conditions:
Diamond-Blackfan anemia. Also called: Blackfan Diamond syndrome; Aregenerative anemia chronic congenital; Red cell aplasia, pure hereditary; Congenital hypoplastic anemia; Aase syndrome. Identifiers: Orphanet 124, MedGen C1260899, MeSH D029503, MONDO:0015253, HP:0004810.

Submission:

Ambry Genetics
Classification: Uncertain significance for Diamond-Blackfan anemia. Last evaluated: 2016-09-13. Review status: criteria provided, single submitter. Criteria: Ambry Variant Classification Scheme 2023. Collection method: clinical testing. Allele origin: germline.
Comment: The p.C47W variant (also known as c.141C>G), located in coding exon 2 of the RPL35A gene, results from a C to G substitution at nucleotide position 141. The cysteine at codon 47 is replaced by tryptophan, an amino acid with highly dissimilar properties. This amino acid position is highly conserved in available vertebrate species. In addition, this alteration is predicted to be deleterious by in silico analysis. Since supporting evidence is limited at this time, the clinical significance of this alteration remains unclear.